The following is an entry in ClinVar:

ClinVar aggregate classification (germline): Uncertain significance (1 of 4 stars; one submission).

Conditions:
Familial thoracic aortic aneurysm and aortic dissection (TAAD). Also called: Thoracic aortic aneurysms and dissections. Identifiers: Orphanet 91387, MedGen C4707243, MONDO:0019625.

Allele frequency attached by ClinVar (database versions not stated): gnomAD exomes below 0.00001.
gnomAD v4.1: 1 of 1,614,258 alleles (0.000062%); highest among the groups gnomAD compares: Non-Finnish European, 0.000085%; no homozygotes.

Submission:

All of Us Research Program, National Institutes of Health
Classification: Uncertain significance for Familial thoracic aortic aneurysm and aortic dissection. Last evaluated: 2023-10-23. Review status: criteria provided, single submitter. Criteria: ACMG Guidelines, 2015. Collection method: clinical testing. Allele origin: germline. Inheritance: Autosomal dominant inheritance. Observed: 1 variant allele, 1 heterozygote.
Comment: This missense variant replaces glutamic acid with lysine at codon 859 of the MYH11 protein. Computational prediction is inconclusive regarding the impact of this variant on protein structure and function (internally defined REVEL score threshold 0.5 < inconclusive < 0.7, PMID: 27666373). To our knowledge, functional studies have not been reported for this variant. This variant has not been reported in individuals affected with MYH11-related disorders in the literature. This variant has not been identified in the general population by the Genome Aggregation Database (gnomAD). The available evidence is insufficient to determine the role of this variant in disease conclusively. Therefore, this variant is classified as a Variant of Uncertain Significance.

This study involves interpretation of variants in research participants for the purpose of population health screening. Participant phenotype was not available at the time of variant classification. Additional details can be found in publication PMID: 35346344, PMCID: PMC8962531

NM_002474.3(MYH11):c.2554G>A (p.Glu852Lys)

Gene: MYH11 (myosin heavy chain 11; minus strand). Cytogenetic location: 16p13.11.
Variant type: single nucleotide variant.
Coding change: c.2554G>A on transcript NM_002474.3 (MANE Select); coding-DNA position 2554, G replaced by A.
Protein change: p.Glu852Lys; replaces glutamic acid 852 with lysine.
Molecular consequence: missense variant.
Genome position (GRCh38, 1-based): chr16:15,741,858, C>T on the plus strand (G>A on the coding strand, the complement: MYH11 is on the minus strand). VCF-style: chr16-15741858-C-T. GRCh37 (hg19) VCF-style: chr16-15835715-C-T.
Other names: c.2575G>A, p.Glu859Lys (NM_001040114.2, NM_001040113.2); c.2554G>A, p.Glu852Lys (NM_022844.3); short protein forms E852K, E859K.
Identifiers: ClinVar variation 3074093 (VCV003074093.1), dbSNP rs2506209250, ClinGen allele CA394866492.